The following is an entry in ClinVar:

NM_000138.5(FBN1):c.5549G>A (p.Arg1850His)

Gene: FBN1 (fibrillin 1; minus strand). Cytogenetic location: 15q21.1.
Variant type: single nucleotide variant.
Coding change: c.5549G>A on transcript NM_000138.5 (MANE Select); coding-DNA position 5549, G replaced by A.
Protein change: p.Arg1850His; replaces arginine 1850 with histidine.
Molecular consequence: missense variant.
Genome position (GRCh38, 1-based): chr15:48,448,890, C>T on the plus strand (G>A on the coding strand, the complement: FBN1 is on the minus strand). VCF-style: chr15-48448890-C-T. GRCh37 (hg19) VCF-style: chr15-48741087-C-T.
Other names: short protein forms R1850H.
Identifiers: ClinVar variation 1507924 (VCV001507924.15), dbSNP rs779174265, ClinGen allele CA055230.

ClinVar aggregate classification (germline): Uncertain significance. Review status: criteria provided, multiple submitters, no conflicts (2 of 4 stars). 5 submissions from 5 submitters: Uncertain significance (5). Last evaluated 2024-12-10.

Conditions:
Marfan syndrome (MFS). Also called: MARFAN SYNDROME, TYPE I; Marfan syndrome type 1; Marfan's syndrome; Marfan syndrome, classic; FBN1-Related Marfan Syndrome. Identifiers: Orphanet 284963, Orphanet 558, MedGen C0024796, MONDO:0007947, OMIM 154700.
Familial thoracic aortic aneurysm and aortic dissection (TAAD). Also called: Thoracic aortic aneurysms and dissections. Identifiers: Orphanet 91387, MedGen C4707243, MONDO:0019625.

Allele frequency attached by ClinVar (database versions not stated): gnomAD exomes 0.00002 and below 0.00001; TOPMed 0.00002; gnomAD 0.00001; ExAC 0.00001.

Submissions (5):

Ambry Genetics
Classification: Uncertain significance for Familial thoracic aortic aneurysm and aortic dissection. Last evaluated: 2024-12-10. Review status: criteria provided, single submitter. Criteria: Ambry Variant Classification Scheme 2023. Collection method: clinical testing. Allele origin: germline.
Comment: The p.R1850H variant (also known as c.5549G>A), located in coding exon 45 of the FBN1 gene, results from a G to A substitution at nucleotide position 5549. The arginine at codon 1850 is replaced by histidine, an amino acid with highly similar properties. This variant has been associated with tall stature and severe adolescent idiopathic scoliosis in one study (Buchan JG et al. Hum. Mol. Genet., 2014 Oct;23:5271-82). This variant has also been reported in a high myopia cohort (Zhou L et al. Exp Eye Res, 2018 Jun;171:76-91). This amino acid position is highly conserved in available vertebrate species. In addition, this alteration is predicted to be deleterious by in silico analysis. Based on the available evidence, the clinical significance of this variant remains unclear.

Labcorp Genetics (formerly Invitae), Labcorp
Classification: Uncertain significance for Marfan syndrome; Familial thoracic aortic aneurysm and aortic dissection. Last evaluated: 2024-04-26. Review status: criteria provided, single submitter. Criteria: Invitae Variant Classification Sherloc (09022015). Collection method: clinical testing. Allele origin: germline.
Comment: This sequence change replaces arginine, which is basic and polar, with histidine, which is basic and polar, at codon 1850 of the FBN1 protein (p.Arg1850His). This variant is present in population databases (rs779174265, gnomAD 0.003%). This missense change has been observed in individual(s) with clinical features of FBN1-related conditions (PMID: 24833718, 29453956). ClinVar contains an entry for this variant (Variation ID: 1507924). Advanced modeling of protein sequence and biophysical properties (such as structural, functional, and spatial information, amino acid conservation, physicochemical variation, residue mobility, and thermodynamic stability) performed at Invitae indicates that this missense variant is expected to disrupt FBN1 protein function with a positive predictive value of 95%. In summary, the available evidence is currently insufficient to determine the role of this variant in disease. Therefore, it has been classified as a Variant of Uncertain Significance.

All of Us Research Program, National Institutes of Health
Classification: Uncertain significance for Marfan syndrome. Last evaluated: 2024-03-24. Review status: criteria provided, single submitter. Criteria: ACMG Guidelines, 2015. Collection method: clinical testing. Allele origin: germline. Inheritance: Autosomal dominant inheritance. Observed: 5 variant alleles, 5 heterozygotes.
Comment: This missense variant replaces arginine with histidine at codon 1850 of the FBN1 protein. Computational prediction suggests that this variant may have deleterious impact on protein structure and function (internally defined REVEL score threshold >= 0.7, PMID: 27666373). To our knowledge, functional studies have not been reported for this variant. This variant has been reported in one individual affected with early onset high myopia (PMID: 29453956) and one individual affected with adolescent idiopathic scoliosis (PMID: 24833718). This variant has been identified in 1/250530 chromosomes in the general population by the Genome Aggregation Database (gnomAD). The available evidence is insufficient to determine the role of this variant in disease conclusively. Therefore, this variant is classified as a Variant of Uncertain Significance.

This study involves interpretation of variants in research participants for the purpose of population health screening. Participant phenotype was not available at the time of variant classification. Additional details can be found in publication PMID: 35346344, PMCID: PMC8962531

Color Diagnostics, LLC DBA Color Health
Classification: Uncertain significance for Familial thoracic aortic aneurysm and aortic dissection. Last evaluated: 2024-02-16. Review status: criteria provided, single submitter. Criteria: ACMG Guidelines, 2015. Collection method: clinical testing. Allele origin: germline.
Comment: This missense variant replaces arginine with histidine at codon 1850 of the FBN1 protein. Computational prediction suggests that this variant may have deleterious impact on protein structure and function. To our knowledge, functional studies have not been reported for this variant. This variant has been reported in one individual affected with early onset high myopia (PMID: 29453956) and one individual affected with adolescent idiopathic scoliosis (PMID: 24833718). This variant has been identified in 1/250530 chromosomes in the general population by the Genome Aggregation Database (gnomAD). The available evidence is insufficient to determine the role of this variant in disease conclusively. Therefore, this variant is classified as a Variant of Uncertain Significance.

AiLife Diagnostics
Classification: Uncertain significance. Last evaluated: 2021-07-12. Review status: criteria provided, single submitter. Criteria: ACMG Guidelines, 2015. Collection method: clinical testing. Allele origin: germline. Affected: yes. Observed: 1 variant allele.

Literature cited by the submitters: PubMed 24833718 (cited by 5 submitters); PubMed 29453956 (cited by 5 submitters).